The following is an entry in ClinVar:

ClinVar aggregate classification (germline): Pathogenic. Review status: criteria provided, multiple submitters, no conflicts (2 of 4 stars). 14 submissions from 13 submitters: Pathogenic (11). 3 of the submissions do not count toward it. Last evaluated 2026-08-01.

Conditions:
Congenital myasthenic syndrome 16. Identifiers: Orphanet 590, MedGen C3280112, MONDO:0013620, OMIM 614198.
Hyperkalemic periodic paralysis. Also called: Gamstorp disease; Familial hyperkalemic periodic paralysis. Identifiers: Orphanet 682, MedGen C0238357, MONDO:0008224, OMIM 170500, HP:0007215.
Paramyotonia congenita of Von Eulenburg. Also called: Eulenburg disease; Myotonia congenita intermittens; Von Eulenburg paramyotonia congenita; Paramyotonia Congenita; PARALYSIS PERIODICA PARAMYOTONICA. Identifiers: Orphanet 684, MedGen C0221055, MONDO:0008195, OMIM 168300. Disease mechanism: loss of function.
Potassium-aggravated myotonia. Also called: MYOTONIA CONGENITA, ACETAZOLAMIDE-RESPONSIVE; MYOTONIA CONGENITA, ATYPICAL; Myotonia congenita, atypical, acetazolamide-responsive; SODIUM CHANNEL MUSCLE DISEASE. Identifiers: Orphanet 612, Orphanet 99734, Orphanet 99735, Orphanet 99736, MedGen C2931826, MONDO:0018959, OMIM 608390.
Congenital myopathy 22A, classic (CMYO22A). Identifiers: MedGen C5830453, MONDO:0957247, OMIM 620351.
Congenital myopathy 22B, severe fetal (CMYO22B). Identifiers: MedGen C5830501, MONDO:0957265, OMIM 620369.
Hypokalemic periodic paralysis, type 2 (HOKPP2). Identifiers: Orphanet 681, MedGen C2750061, MONDO:0013234, OMIM 613345.
SCN4A-related disorder. Also called: SCN4A-related disorders.
Myopathy. Identifiers: MedGen C0026848, MeSH D009135, MONDO:0005336, HP:0003198.
Normokalemic periodic paralysis, potassium-sensitive. Identifiers: MedGen C1868433.

Allele frequency attached by ClinVar (database versions not stated): ExAC 0.00002; gnomAD 0.00001 and 0.00002; gnomAD exomes 0.00001; TOPMed 0.00001.
gnomAD v4.1: 11 of 1,608,758 alleles (0.00068%); highest among the groups gnomAD compares: Admixed American, 0.005%; no homozygotes.

Submissions (14):

GeneDx
Classification: Pathogenic. Last evaluated: 2026-08-01. Review status: criteria provided, single submitter. Criteria: GeneDx Variant Classification Process June 2021. Collection method: clinical testing. Allele origin: germline.
Comment: Observed in multiple unrelated individuals with hyperkalemic periodic paralysis, hypokalemic periodic paralysis and normokalemic periodic paralysis in published literature (PMID: 31567646, 33345742, 38609989, 15596759, 22926674); In silico analysis supports that this missense variant has a deleterious effect on protein structure/function; In silico analysis supports a deleterious effect on splicing; Not observed at significant frequency in large population cohorts (gnomAD); This variant is associated with the following publications: (PMID: 19065518, 25839108, 20301669, 33263785, 19225109, 19052238, 31708864, 31068157, 34992632, 33965302, 18046642, 19201608, 24682880, 33345742, 15596759, 22926674, 38609989, 31567646, 39777323, 40571342)

Labcorp Genetics (formerly Invitae), Labcorp
Classification: Pathogenic for Hyperkalemic periodic paralysis. Last evaluated: 2025-12-11. Review status: criteria provided, single submitter. Criteria: Invitae Variant Classification Sherloc (09022015). Collection method: clinical testing. Allele origin: germline.
Comment: This sequence change replaces arginine, which is basic and polar, with glutamine, which is neutral and polar, at codon 675 of the SCN4A protein (p.Arg675Gln). This variant is present in population databases (rs121908557, gnomAD 0.006%). This missense change has been observed in individuals with autosomal dominant hyperkalemic periodic paralysis, hypokalemic periodic paralysis and normokalemic periodic paralysis (PMID: 15596759, 18046642, 19065518, 19225109, 22926674, 25839108). It has also been observed to segregate with disease in related individuals. ClinVar contains an entry for this variant (Variation ID: 5919). Invitae Evidence Modeling of protein sequence and biophysical properties (such as structural, functional, and spatial information, amino acid conservation, physicochemical variation, residue mobility, and thermodynamic stability) indicates that this missense variant is expected to disrupt SCN4A protein function with a positive predictive value of 95%. Experimental studies have shown that this missense change affects SCN4A function (PMID: 19052238, 19065518, 24682880). Algorithms developed to predict the effect of sequence changes on RNA splicing suggest that this variant may create or strengthen a splice site. This variant disrupts the p.Arg675 amino acid residue in SCN4A. Other variant(s) that disrupt this residue have been determined to be pathogenic (PMID: 15596759, 22926674, 23516313). This suggests that this residue is clinically significant, and that variants that disrupt this residue are likely to be disease-causing. For these reasons, this variant has been classified as Pathogenic.

3billion
Classification: Pathogenic for SCN4A-related disorder. Last evaluated: 2025-05-29. Review status: criteria provided, single submitter. Criteria: ACMG Guidelines, 2015. Collection method: clinical testing. Allele origin: germline. Affected: yes.
Comment: The variant is observed at an extremely low frequency in the gnomAD v4.1.0 dataset (total allele frequency: <0.001%). Predicted Consequence/Location: Missense variant In silico tool predictions suggest damaging effect of the variant on gene or gene product [REVEL: 0.96 (>=0.6, sensitivity 0.68 and specificity 0.92); 3Cnet: 0.99 (> 0.75, sensitivity 0.96 and precision 0.92)]. The same nucleotide change resulting in the same amino acid change has been previously reported as pathogenic/likely pathogenic with strong evidence (ClinVar ID: VCV000005919 /PMID: 15596759). Different missense changes at the same codon (p.Arg675Gly, p.Arg675Trp) have been reported as pathogenic/likely pathogenic with strong evidence (ClinVar ID: VCV000005902, VCV000005918 /PMID: 15596759 /3billion dataset). Therefore, this variant is classified as Pathogenic according to the recommendation of ACMG/AMP guideline.

Blueprint Genetics
Classification: Pathogenic for SCN4A-related disorders. Last evaluated: 2024-10-07. Review status: criteria provided, single submitter. Criteria: ACMG Guidelines, 2015. Collection method: clinical testing. Allele origin: germline. Affected: yes. Observed: 1 variant allele.

Fulgent Genetics
Classification: Pathogenic for Paramyotonia congenita of Von Eulenburg; Hyperkalemic periodic paralysis; Potassium-aggravated myotonia; Hypokalemic periodic paralysis, type 2; Congenital myasthenic syndrome 16; Congenital myopathy 22A, classic; Congenital myopathy 22B, severe fetal. Last evaluated: 2024-03-07. Review status: criteria provided, single submitter. Criteria: ACMG Guidelines, 2015. Collection method: clinical testing. Allele origin: germline.

Athena Diagnostics
Classification: Pathogenic. Last evaluated: 2023-11-16. Review status: criteria provided, single submitter. Criteria: Athena Diagnostics Criteria. Collection method: clinical testing. Allele origin: unknown.
Comment: The frequency of this variant in the general population is consistent with pathogenicity. This variant has been identified in multiple unrelated individuals with clinical features of hyperkalemic, hypokalemic and normokalemic periodic paralysis and has been shown to associate with disease in multiple families. At least one other missense variant at this codon is considered to be pathogenic or likely pathogenic. Assessment of experimental evidence suggests this variant results in abnormal protein function. (PMID: 19052238) The variant is located in a region that is considered important for protein function and/or structure.

Institute of Human Genetics Munich, TUM University Hospital
Classification: Pathogenic for Hypokalemic periodic paralysis, type 2. Last evaluated: 2023-07-18. Review status: criteria provided, single submitter. Criteria: Classification criteria August 2017. Collection method: clinical testing. Allele origin: germline. Inheritance: Autosomal dominant inheritance. Affected: yes. Observed: 1 variant allele.

Baylor Genetics
Classification: Pathogenic for Congenital myasthenic syndrome 16. Last evaluated: 2022-09-15. Review status: criteria provided, single submitter. Criteria: ACMG Guidelines, 2015. Collection method: clinical testing. Allele origin: unknown.

Baylor Genetics
Classification: Pathogenic for Hyperkalemic periodic paralysis. Last evaluated: 2017-09-01. Review status: criteria provided, single submitter. Criteria: ACMG Guidelines, 2015. Collection method: clinical testing. Allele origin: germline. Inheritance: Autosomal unknown.

Undiagnosed Diseases Network, NIH
Classification: Pathogenic for Myopathy. Last evaluated: 2016-08-12. Review status: criteria provided, single submitter. Criteria: ACMG Guidelines, 2015. Collection method: clinical testing. Allele origin: paternal. Inheritance: Autosomal recessive inheritance. Affected: yes. Observed: 2 variant alleles, 2 compound heterozygotes. Clinical features observed: Ventricular septal defect (HP:0001629), Small for gestational age (HP:0001518), Primary Caesarian section (HP:0030363), Neonatal hypotonia (HP:0001319), Mandibular condyle hypoplasia (HP:0007628), Low-set ears (HP:0000369), Intrauterine growth retardation (HP:0001511), Increased variability in muscle fiber diameter (HP:0003557), High palate (HP:0000218), Gastrostomy tube feeding in infancy (HP:0011471), Dysphagia (HP:0002015), Diminished movement (HP:0002374), and 5 more.
Comment: This mutation has been previously reported as disease-causing and was found twice in our study in trans with a nonsense variant (R1142X) in a set of siblings with severe congenital hypotonia, which resolved after infancy, and congenital heart defects.

Juno Genomics, Hangzhou Juno Genomics, Inc
Classification: Pathogenic for Congenital myopathy 22A, classic; Congenital myopathy 22B, severe fetal; Hyperkalemic periodic paralysis; Hypokalemic periodic paralysis, type 2; Congenital myasthenic syndrome 16; Potassium-aggravated myotonia; Paramyotonia congenita of Von Eulenburg. Review status: criteria provided, single submitter. Criteria: ACMG Guidelines, 2015. Collection method: clinical testing. Allele origin: germline.
Comment: Absent from controls (or at extremely low frequency if recessive) in Genome Aggregation Database.;Well-established in vitro or in vivo functional studies supportive of a damaging effect on the gene or gene product.;The prevalence of the variant in affected individuals is significantly increased compared to the prevalence in controls.;Patient's phenotype or family history is highly specific for a disease with a single genetic etiology.;Co-segregation with disease in multiple affected family members.

Molecular Genetics Laboratory, BC Children's and BC Women's Hospitals
Classification: Pathogenic for Hyperkalemic periodic paralysis. Last evaluated: 2022-10-18. Review status: no assertion criteria provided. Criteria: ACMG Guidelines, 2015. Collection method: clinical testing. Allele origin: germline. Affected: yes. Not counted in ClinVar's aggregate classification.

OMIM
Classification: Pathogenic for NORMOKALEMIC PERIODIC PARALYSIS, POTASSIUM-SENSITIVE. Last evaluated: 2004-12-14. Review status: no assertion criteria provided. Collection method: literature only. Allele origin: germline. Not counted in ClinVar's aggregate classification.

GeneReviews
No classification provided. Condition: Hyperkalemic periodic paralysis. Review status: no classification provided. Collection method: literature only. Allele origin: germline. Affected: yes. Not counted in ClinVar's aggregate classification.

Literature cited by the submitters: PubMed 15596759 (cited by 7 submitters); PubMed 18046642 (cited by Labcorp Genetics (formerly Invitae), Labcorp and Athena Diagnostics); PubMed 19065518 (cited by 4 submitters); PubMed 19225109 (cited by 3 submitters); PubMed 22926674 (cited by 3 submitters); PubMed 25839108 (cited by Labcorp Genetics (formerly Invitae), Labcorp and Athena Diagnostics); PubMed 19052238 (cited by 3 submitters); PubMed 24682880 (cited by Labcorp Genetics (formerly Invitae), Labcorp and Athena Diagnostics); PubMed 23516313 (cited by Labcorp Genetics (formerly Invitae), Labcorp and Athena Diagnostics); PubMed 19201608 (cited by Athena Diagnostics); PubMed 31068157 (cited by Athena Diagnostics); PubMed 31708864 (cited by Athena Diagnostics); PubMed 31567646 (cited by Athena Diagnostics); PubMed 33263785 (cited by Athena Diagnostics); PubMed 33345742 (cited by Athena Diagnostics); PubMed 33965302 (cited by Athena Diagnostics); PubMed 28344441 (cited by Athena Diagnostics); PubMed 25326635 (cited by Baylor Genetics); NCBI Bookshelf NBK1496 (cited by GeneReviews).

NM_000334.4(SCN4A):c.2024G>A (p.Arg675Gln)

Genes: GH-LCR (growth hormone locus control region; plus strand), SCN4A (sodium voltage-gated channel alpha subunit 4; minus strand). Cytogenetic location: 17q23.3.
Variant type: single nucleotide variant.
Coding change: c.2024G>A on transcript NM_000334.4 (MANE Select); coding-DNA position 2024, G replaced by A.
Protein change: p.Arg675Gln; replaces arginine 675 with glutamine.
Molecular consequence: missense variant.
Genome position (GRCh38, 1-based): chr17:63,957,514, C>T on the plus strand (G>A on the coding strand, the complement: SCN4A is on the minus strand). VCF-style: chr17-63957514-C-T. GRCh37 (hg19) VCF-style: chr17-62034874-C-T.
Other names: short protein forms R675Q.
Identifiers: ClinVar variation 5919 (VCV000005919.31), dbSNP rs121908557, ClinGen allele CA117851.